The following is an entry in ClinVar:

ClinVar aggregate classification (germline): Likely benign. Review status: criteria provided, multiple submitters, no conflicts (2 of 4 stars). 2 submissions from 2 submitters: Likely benign (2). Last evaluated 2025-04-09.

Conditions:
Walker-Warburg congenital muscular dystrophy. Also called: Muscular dystrophy-dystroglycanopathy, type A; Walker-Warburg syndrome. Identifiers: Orphanet 899, MedGen C0265221, MONDO:0000171.

Submissions (2):

Molecular Diagnostic Laboratory for Inherited Cardiovascular Disease, Montreal Heart Institute
Classification: Likely benign. Last evaluated: 2025-04-09. Review status: criteria provided, single submitter. Criteria: ACMG Guidelines, 2015. Collection method: clinical testing. Allele origin: germline. Affected: no.
Comment: BP6

Labcorp Genetics (formerly Invitae), Labcorp
Classification: Likely benign for Walker-Warburg congenital muscular dystrophy. Last evaluated: 2024-12-24. Review status: criteria provided, single submitter. Criteria: Invitae Variant Classification Sherloc (09022015). Collection method: clinical testing. Allele origin: germline.

NM_001079802.2(FKTN):c.780+11del

Gene: FKTN (fukutin; plus strand). Cytogenetic location: 9q31.2.
Variant type: Deletion.
Coding change: c.780+11del on transcript NM_001079802.2 (MANE Select); 11 bases into the intron after coding-DNA position 780, one base deleted (A; older notation c.780+11delA).
Molecular consequence: intron variant.
Genome position (GRCh38, 1-based): chr9:105,607,962, A deleted; the last of 2 consecutive A bases (chr9:105,607,961-105,607,962); deleting either gives the same sequence. VCF-style (leftmost placement, unchanged base first): chr9-105607960-CA-C. GRCh37 (hg19) VCF-style: chr9-108370241-CA-C.
Other names: c.780+11del (NM_001079802.1, NM_006731.2, NM_001351496.2 and 2 more transcripts); c.384+11del (NM_001351502.2, NM_001351499.2, NM_001351500.2 and 1 more transcripts); c.711+11del (NM_001351497.2).
Identifiers: ClinVar variation 1147942 (VCV001147942.10), dbSNP rs931791589, ClinGen allele CA197441533.